The following is an entry in ClinVar:

NM_015175.3(NBEAL2):c.1789C>T (p.Arg597Ter)

Gene: NBEAL2 (neurobeachin like 2; plus strand). Cytogenetic location: 3p21.31.
Variant type: single nucleotide variant.
Coding change: c.1789C>T on transcript NM_015175.3 (MANE Select); coding-DNA position 1789, C replaced by T.
Protein change: p.Arg597Ter; replaces arginine 597 with a stop codon.
Molecular consequence: nonsense.
Genome position (GRCh38, 1-based): chr3:46,995,524, C>T. VCF-style: chr3-46995524-C-T. GRCh37 (hg19) VCF-style: chr3-47037014-C-T.
Other names: c.1687C>T, p.Arg563Ter (NM_001365116.2); short protein forms R597*, R563*.
Identifiers: ClinVar variation 627258 (VCV000627258.5), dbSNP rs1172581672, ClinGen allele CA352508617.
Genomic context (GRCh38, chr3:46,995,524, plus strand): 5'-GCTCTGCGCTACTTTGACCTCACGCCCAGCATGGCGGGCATCATGGTACCCCCTGTACAG[C>T]GATGGCCAGGGCCTGGCTTCACCTTTCATGCCTGGCTCTGTCTGCACCCTATGGATACAG-3'

ClinVar aggregate classification (germline): Pathogenic. Review status: criteria provided, multiple submitters, no conflicts (2 of 4 stars). 3 submissions from 3 submitters: Pathogenic (3). Last evaluated 2025-08-09.

Conditions:
Gray platelet syndrome (GPS). Also called: BLEEDING DISORDER, PLATELET-TYPE, 4. Identifiers: Orphanet 721, MedGen C0272302, MONDO:0007686, OMIM 139090.

Submissions (3):

GeneDx
Classification: Pathogenic. Last evaluated: 2025-08-09. Review status: criteria provided, single submitter. Criteria: GeneDx Variant Classification Process June 2021. Collection method: clinical testing. Allele origin: germline. Affected: yes.
Comment: Nonsense variant predicted to result in protein truncation or nonsense mediated decay in a gene for which loss of function is a known mechanism of disease; Not observed at significant frequency in large population cohorts (gnomAD); This variant is associated with the following publications: (PMID: 32693407, 31064749)

NIHR Bioresource Rare Diseases, University of Cambridge
Classification: Pathogenic for Gray platelet syndrome. Last evaluated: 2020-03-01. Review status: criteria provided, single submitter. Criteria: ACMG Guidelines, 2015. Collection method: research. Allele origin: unknown. Inheritance: Autosomal recessive inheritance. Affected: yes.
Comment: ACMG criteria: PVS1, PM2, PP4

Juno Genomics, Hangzhou Juno Genomics, Inc
Classification: Pathogenic for Gray platelet syndrome. Review status: criteria provided, single submitter. Criteria: ACMG Guidelines, 2015. Collection method: clinical testing. Allele origin: germline.
Comment: Absent from controls (or at extremely low frequency if recessive) in Genome Aggregation Database.;Null variant in a gene where loss of function (LOF) is a known mechanism of disease.;For recessive disorders, detected in trans with a pathogenic variant.;Patient's phenotype or family history is highly specific for a disease with a single genetic etiology.

Literature cited by the submitters: PubMed 32693407 (cited by NIHR Bioresource Rare Diseases, University of Cambridge); PubMed 31064749 (cited by NIHR Bioresource Rare Diseases, University of Cambridge).